The following is an entry in ClinVar:

ClinVar aggregate classification (germline): Uncertain significance. Review status: criteria provided, multiple submitters, no conflicts (2 of 4 stars). 2 submissions from 2 submitters: Uncertain significance (2). Last evaluated 2023-10-05.

Conditions:
Inborn genetic diseases. Identifiers: MedGen C0950123, MeSH D030342.
Fanconi anemia (FA). Also called: Fanconi's anemia. Identifiers: Orphanet 84, MedGen C0015625, MeSH D005199, MONDO:0019391.

Submissions (2):

Ambry Genetics
Classification: Uncertain significance for Inborn genetic diseases. Last evaluated: 2023-10-05. Review status: criteria provided, single submitter. Criteria: Ambry Variant Classification Scheme 2023. Collection method: clinical testing. Allele origin: germline.

Labcorp Genetics (formerly Invitae), Labcorp
Classification: Uncertain significance for Fanconi anemia. Last evaluated: 2022-05-14. Review status: criteria provided, single submitter. Criteria: Invitae Variant Classification Sherloc (09022015). Collection method: clinical testing. Allele origin: germline.
Comment: In summary, the available evidence is currently insufficient to determine the role of this variant in disease. Therefore, it has been classified as a Variant of Uncertain Significance. Algorithms developed to predict the effect of missense changes on protein structure and function output the following: SIFT: "Tolerated"; PolyPhen-2: "Benign"; Align-GVGD: "Class C0". The serine amino acid residue is found in multiple mammalian species, which suggests that this missense change does not adversely affect protein function. This variant has not been reported in the literature in individuals affected with SLX4-related conditions. This variant is not present in population databases (gnomAD no frequency). This sequence change replaces cysteine, which is neutral and slightly polar, with serine, which is neutral and polar, at codon 1467 of the SLX4 protein (p.Cys1467Ser).

NM_032444.4(SLX4):c.4400G>C (p.Cys1467Ser)

Gene: SLX4 (SLX4 structure-specific endonuclease subunit; minus strand). Cytogenetic location: 16p13.3.
Variant type: single nucleotide variant.
Coding change: c.4400G>C on transcript NM_032444.4 (MANE Select); coding-DNA position 4400, G replaced by C.
Protein change: p.Cys1467Ser; replaces cysteine 1467 with serine.
Molecular consequence: missense variant.
Genome position (GRCh38, 1-based): chr16:3,589,238, C>G on the plus strand (G>C on the coding strand, the complement: SLX4 is on the minus strand). VCF-style: chr16-3589238-C-G. GRCh37 (hg19) VCF-style: chr16-3639239-C-G.
Other names: short protein forms C1467S.
Identifiers: ClinVar variation 2046657 (VCV002046657.5), dbSNP rs2151121342, ClinGen allele CA394517212.